The following is an entry in ClinVar:

NM_177550.5(SLC13A5):c.955G>A (p.Val319Met)

Gene: SLC13A5 (solute carrier family 13 member 5; minus strand). Cytogenetic location: 17p13.1.
Variant type: single nucleotide variant.
Coding change: c.955G>A on transcript NM_177550.5 (MANE Select); coding-DNA position 955, G replaced by A.
Protein change: p.Val319Met; replaces valine 319 with methionine.
Molecular consequence: missense variant.
Genome position (GRCh38, 1-based): chr17:6,695,826, C>T on the plus strand (G>A on the coding strand, the complement: SLC13A5 is on the minus strand). VCF-style: chr17-6695826-C-T. GRCh37 (hg19) VCF-style: chr17-6599145-C-T.
Other names: c.955G>A, p.Val319Met (NM_001143838.3); c.904G>A, p.Val302Met (NM_001284509.2); c.826G>A, p.Val276Met (NM_001284510.2); short protein forms V276M, V302M, V319M.
Identifiers: ClinVar variation 971697 (VCV000971697.8), dbSNP rs199612064, ClinGen allele CA8331563.
Genomic context (GRCh38, chr17:6,695,826, plus strand): 5'-GCATGAAGCCGGGGTCTCGGGAGAACCACAGGATGACCAGCAGGAAGAAGCAGATCAGCA[C>T]GTTGATCTCCGCGAAGGACAAGGGCCCCAGCTTCCGGTACTCCTCCTGCAGCACCTTGAG-3'
Protein context (NP_808218.1, residues 309-329): LGPLSFAEIN[Val319Met]LICFFLLVIL

ClinVar aggregate classification (germline): Uncertain significance (1 of 4 stars; one submission).

Conditions:
Developmental and epileptic encephalopathy, 25 (DEE25). Also called: Epileptic encephalopathy, early infantile, 25; Developmental and epileptic encephalopathy 25, with amelogenesis imperfecta; Epileptic encephalopathy, early infantile, 25, with amelogenesis imperfecta. Identifiers: Orphanet 442835, MedGen C4014621, MONDO:0014392, OMIM 615905.

Allele frequency attached by ClinVar (database versions not stated): TOPMed below 0.00001; gnomAD 0.00001 and 0.00002; gnomAD exomes 0.00003; ExAC 0.00005; 1000 Genomes Project 30x 0.00016; 1000 Genomes Project 0.00020.
gnomAD v4.1: 32 of 1,614,166 alleles (0.002%); highest among the groups gnomAD compares: Middle Eastern, 0.033%; no homozygotes.

Submission:

Labcorp Genetics (formerly Invitae), Labcorp
Classification: Uncertain significance for Developmental and epileptic encephalopathy, 25. Last evaluated: 2025-08-04. Review status: criteria provided, single submitter. Criteria: Invitae Variant Classification Sherloc (09022015). Collection method: clinical testing. Allele origin: germline.
Comment: This sequence change replaces valine, which is neutral and non-polar, with methionine, which is neutral and non-polar, at codon 319 of the SLC13A5 protein (p.Val319Met). This variant is present in population databases (rs199612064, gnomAD 0.02%). This variant has not been reported in the literature in individuals affected with SLC13A5-related conditions. ClinVar contains an entry for this variant (Variation ID: 971697). Invitae Evidence Modeling of protein sequence and biophysical properties (such as structural, functional, and spatial information, amino acid conservation, physicochemical variation, residue mobility, and thermodynamic stability) has been performed for this missense variant. However, the output from this modeling did not meet the statistical confidence thresholds required to predict the impact of this variant on SLC13A5 protein function. In summary, the available evidence is currently insufficient to determine the role of this variant in disease. Therefore, it has been classified as a Variant of Uncertain Significance.